The following is an entry in ClinVar:

ClinVar aggregate classification (germline): Uncertain significance (1 of 4 stars; one submission).

Submission:

GeneDx
Classification: Uncertain significance. Last evaluated: 2024-08-25. Review status: criteria provided, single submitter. Criteria: GeneDx Variant Classification Process June 2021. Collection method: clinical testing. Allele origin: germline. Affected: yes.
Comment: Not observed at significant frequency in large population cohorts (gnomAD); In silico analysis indicates that this missense variant does not alter protein structure/function; Has not been previously published as pathogenic or benign to our knowledge

NM_001270.4(CHD1):c.4015A>C (p.Asn1339His)

Gene: CHD1 (chromodomain helicase DNA binding protein 1; minus strand). Cytogenetic location: 5q15.
Variant type: single nucleotide variant.
Coding change: c.4015A>C on transcript NM_001270.4 (MANE Select); coding-DNA position 4015, A replaced by C.
Protein change: p.Asn1339His; replaces asparagine 1339 with histidine.
Molecular consequence: missense variant. On other transcripts: non-coding transcript variant (2).
Genome position (GRCh38, 1-based): chr5:98,869,846, T>G on the plus strand (A>C on the coding strand, the complement: CHD1 is on the minus strand). VCF-style: chr5-98869846-T-G. GRCh37 (hg19) VCF-style: chr5-98205550-T-G.
Other names: c.4015A>C, p.Asn1339His (NM_001364113.3, NM_001376194.2); short protein forms N1339H.
Identifiers: ClinVar variation 3766219 (VCV003766219.1).